The following is an entry in ClinVar:

ClinVar aggregate classification (germline): Uncertain significance (1 of 4 stars; one submission).

Submission:

GeneDx
Classification: Uncertain significance. Last evaluated: 2024-12-02. Review status: criteria provided, single submitter. Criteria: GeneDx Variant Classification Process June 2021. Collection method: clinical testing. Allele origin: germline. Affected: yes.
Comment: Not observed at significant frequency in large population cohorts (gnomAD); In silico analysis supports that this missense variant has a deleterious effect on protein structure/function; Has not been previously published as pathogenic or benign to our knowledge

NM_001378477.3(NYX):c.730G>C (p.Ala244Pro)

Gene: NYX (nyctalopin; plus strand). Cytogenetic location: Xp11.4.
Variant type: single nucleotide variant.
Coding change: c.730G>C on transcript NM_001378477.3 (MANE Select); coding-DNA position 730, G replaced by C.
Protein change: p.Ala244Pro; replaces alanine 244 with proline.
Molecular consequence: missense variant.
Genome position (GRCh38, 1-based): chrX:41,474,198, G>C. VCF-style: chrX-41474198-G-C. GRCh37 (hg19) VCF-style: chrX-41333451-G-C.
Other names: c.730G>C, p.Ala244Pro (NM_022567.3); short protein forms A244P.
Identifiers: ClinVar variation 3900960 (VCV003900960.1).